The following is an entry in ClinVar:

NM_001754.5(RUNX1):c.*2329A>G

Gene: RUNX1 (RUNX family transcription factor 1; minus strand). Cytogenetic location: 21q22.12.
Variant type: single nucleotide variant.
Coding change: c.*2329A>G on transcript NM_001754.5 (MANE Select); 2329 bases downstream of the stop codon, A replaced by G.
Molecular consequence: 3 prime UTR variant.
Genome position (GRCh38, 1-based): chr21:34,789,806, T>C on the plus strand (A>G on the coding strand, the complement: RUNX1 is on the minus strand). VCF-style: chr21-34789806-T-C. GRCh37 (hg19) VCF-style: chr21-36162103-T-C.
Other names: c.*2329A>G (NM_001001890.3, NM_001754.4).
Identifiers: ClinVar variation 339833 (VCV000339833.6), dbSNP rs529363958, ClinGen allele CA10652916.

ClinVar aggregate classification (germline): Benign. Review status: reviewed by expert panel (3 of 4 stars). 2 submissions from 2 submitters: Benign (1). 1 of the submissions does not count toward it. Last evaluated 2020-05-13.

Conditions:
Hereditary thrombocytopenia and hematologic cancer predisposition syndrome. Identifiers: Orphanet 71290, MedGen CN281654, MONDO:0011071.
Hereditary thrombocytopenia and hematological cancer predisposition syndrome associated with RUNX1. Also called: PLATELET DISORDER, ASPIRIN-LIKE; RUNX1 Familial Platelet Disorder with Associated Myeloid Malignancies; Familial Platelet Disorder with Propensity to Acute Myelogenous Leukemia; Familial thrombocytopenia with propensity to acute myelogenous leukemia. Identifiers: Orphanet 71290, MedGen C1832388, MeSH C563324, MONDO:0100083, OMIM 601399.

Allele frequency attached by ClinVar (database versions not stated): gnomAD exomes 0.00013; gnomAD 0.00046 and 0.00009; 1000 Genomes Project 30x 0.00234; 1000 Genomes Project 0.00300; TOPMed 0.00009.
gnomAD v4.1: 82 of 233,292 alleles (0.035%); highest among the groups gnomAD compares: South Asian, 1.2%; no homozygotes.

Submissions (2):

ClinGen Myeloid Malignancy Variant Curation Expert Panel
Classification: Benign for Hereditary thrombocytopenia and hematologic cancer predisposition syndrome. Last evaluated: 2020-05-13. Review status: reviewed by expert panel. Criteria: ClinGen MyeloMalig ACMG Specifications v1. Collection method: curation. Allele origin: germline. Inheritance: Autosomal dominant inheritance.
Comment: The RUNX1 c.*2329A>G variant in the 3' UTR has an MAF of 0.01248 (1.2%, 38/3044 alleles) in the South Asian subpopulation of the gnomAD v3 cohort and is >= 0.0015 (0.15%) (BA1). In summary, this variant meets criteria to be classified as benign. ACMG/AMP criteria applied, as specified by the Myeloid Malignancy Variant Curation Expert Panel for RUNX1: BA1.

Illumina Laboratory Services, Illumina
Classification: Benign for Hereditary thrombocytopenia and hematological cancer predisposition syndrome associated with RUNX1. Last evaluated: 2018-01-12. Review status: criteria provided, single submitter. Criteria: ICSL Variant Classification Criteria 13 December 2019. Collection method: clinical testing. Allele origin: germline. Not counted in ClinVar's aggregate classification.
Comment: This variant was observed in the ICSL laboratory as part of a predisposition screen in an ostensibly healthy population. It had not been previously curated by ICSL or reported in the Human Gene Mutation Database (HGMD: prior to June 1st, 2018), and was therefore a candidate for classification through an automated scoring system. Utilizing variant allele frequency, disease prevalence and penetrance estimates, and inheritance mode, an automated score was calculated to assess if this variant is too frequent to cause the disease. Based on the score and internal cut-off values, a variant classified as benign is not then subjected to further curation. The score for this variant resulted in a classification of benign for this disease.